The following is an entry in ClinVar:

ClinVar aggregate classification (germline): Uncertain significance (1 of 4 stars; one submission).

Submission:

CeGaT Center for Human Genetics Tuebingen
Classification: Uncertain significance. Last evaluated: 2023-03-01. Review status: criteria provided, single submitter. Criteria: CeGaT Center For Human Genetics Tuebingen Variant Classification Criteria Version 2. Collection method: clinical testing. Allele origin: germline. Affected: yes. Observed: 1 variant allele.
Comment: WDR35: PM2, PM3:Supporting

NM_020779.4(WDR35):c.3077A>G (p.Gln1026Arg)

Gene: WDR35 (WD repeat domain 35; minus strand). Cytogenetic location: 2p24.1.
Variant type: single nucleotide variant.
Coding change: c.3077A>G on transcript NM_020779.4 (MANE Select); coding-DNA position 3077, A replaced by G.
Protein change: p.Gln1026Arg; replaces glutamine 1026 with arginine.
Molecular consequence: missense variant.
Genome position (GRCh38, 1-based): chr2:19,930,440, T>C on the plus strand (A>G on the coding strand, the complement: WDR35 is on the minus strand). VCF-style: chr2-19930440-T-C. GRCh37 (hg19) VCF-style: chr2-20130201-T-C.
Other names: c.3110A>G, p.Gln1037Arg (NM_001006657.2); short protein forms Q1026R, Q1037R.
Identifiers: ClinVar variation 2498801 (VCV002498801.28), dbSNP rs2527835866, ClinGen allele CA345941537.